The following is an entry in ClinVar:

NM_002661.5(PLCG2):c.1090C>T (p.Pro364Ser)

Gene: PLCG2 (phospholipase C gamma 2; plus strand). Cytogenetic location: 16q23.3.
Variant type: single nucleotide variant.
Coding change: c.1090C>T on transcript NM_002661.5 (MANE Select); coding-DNA position 1090, C replaced by T.
Protein change: p.Pro364Ser; replaces proline 364 with serine.
Molecular consequence: missense variant.
Genome position (GRCh38, 1-based): chr16:81,895,824, C>T. VCF-style: chr16-81895824-C-T. GRCh37 (hg19) VCF-style: chr16-81929429-C-T.
Other names: c.1090C>T, p.Pro364Ser (NM_001425749.1, NM_001425750.1, NM_001425751.1); short protein forms P364S.
Identifiers: ClinVar variation 4748659 (VCV004748659.1).
Genomic context (GRCh38, chr16:81,895,824, plus strand): 5'-GTGAACACACGTGGTATTGAGGCTGCCGCGTTTCTCCCTGTAGTGGACTGCTGGGACGGG[C>T]CCGATGGGAAGCCGGTCATCTACCATGGCTGGACGCGGACTACCAAGATCAAGTTTGACG-3'
Protein context (NP_002652.2, residues 354-374): RCIELDCWDG[Pro364Ser]DGKPVIYHGW

ClinVar aggregate classification (germline): Uncertain significance (1 of 4 stars; one submission).

Conditions:
Familial cold autoinflammatory syndrome 3 (FCAS3). Also called: FAMILIAL ATYPICAL COLD URTICARIA; ANTIBODY DEFICIENCY AND IMMUNE DYSREGULATION, PLCG2-ASSOCIATED. Identifiers: Orphanet 300359, MedGen C3280914, MONDO:0013766, OMIM 614468.

gnomAD v4.1: 15 of 1,613,928 alleles (0.00093%); highest among the groups gnomAD compares: African/African-American, 0.0013%; no homozygotes.

Submission:

Labcorp Genetics (formerly Invitae), Labcorp
Classification: Uncertain significance for Familial cold autoinflammatory syndrome 3. Last evaluated: 2025-12-09. Review status: criteria provided, single submitter. Criteria: Invitae Variant Classification Sherloc (09022015). Collection method: clinical testing. Allele origin: germline.
Comment: This sequence change replaces proline, which is neutral and non-polar, with serine, which is neutral and polar, at codon 364 of the PLCG2 protein (p.Pro364Ser). This variant is present in population databases (rs746689563, gnomAD 0.007%). This variant has not been reported in the literature in individuals affected with PLCG2-related conditions. An algorithm developed to predict the effect of missense changes on protein structure and function (PolyPhen-2) suggests that this variant is likely to be disruptive. In summary, the available evidence is currently insufficient to determine the role of this variant in disease. Therefore, it has been classified as a Variant of Uncertain Significance.